The following is an entry in ClinVar:

NM_000444.6(PHEX):c.227_240del (p.Pro76fs)

Gene: PHEX (phosphate regulating endopeptidase X-linked; plus strand). Cytogenetic location: Xp22.11.
Variant type: Deletion.
Coding change: c.227_240del on transcript NM_000444.6 (MANE Select); coding-DNA positions 227 to 240, 14 bases deleted (CTTGTGATAATTTC).
Protein change: p.Pro76fs; shifts the reading frame from proline 76.
Molecular consequence: frameshift variant.
Genome position (GRCh38, 1-based): chrX:22,047,089-22,047,102, CTTGTGATAATTTC deleted; deleting any 14 consecutive bases within chrX:22,047,087-22,047,102 gives the same sequence; the c. name uses the placement nearest the transcript's 3' end. VCF-style (leftmost placement, unchanged base first): chrX-22047086-ATCCTTGTGATAATT-A. GRCh37 (hg19) VCF-style: chrX-22065204-ATCCTTGTGATAATT-A.
Other names: c.227_240del, p.Pro76fs (NM_001282754.2); short protein forms P76fs.
Identifiers: ClinVar variation 1447654 (VCV001447654.6), dbSNP rs2146987683, ClinGen allele CA2573158513.

ClinVar aggregate classification (germline): Pathogenic (1 of 4 stars; one submission).

Submission:

Labcorp Genetics (formerly Invitae), Labcorp
Classification: Pathogenic. Last evaluated: 2021-11-12. Review status: criteria provided, single submitter. Criteria: Invitae Variant Classification Sherloc (09022015). Collection method: clinical testing. Allele origin: germline.
Comment: This sequence change creates a premature translational stop signal (p.Pro76Leufs*6) in the PHEX gene. It is expected to result in an absent or disrupted protein product. Loss-of-function variants in PHEX are known to be pathogenic (PMID: 9097956, 9106524, 19219621). For these reasons, this variant has been classified as Pathogenic. This variant has not been reported in the literature in individuals affected with PHEX-related conditions. This variant is not present in population databases (gnomAD no frequency).

Literature cited by the submitters: PubMed 9097956; PubMed 9106524; PubMed 19219621.